The following is an entry in ClinVar:

NM_001365902.3(NFIX):c.88T>C (p.Trp30Arg)

Gene: NFIX (nuclear factor I X; plus strand). Cytogenetic location: 19p13.13.
Variant type: single nucleotide variant.
Coding change: c.88T>C on transcript NM_001365902.3 (MANE Select); coding-DNA position 88, T replaced by C.
Protein change: p.Trp30Arg; replaces tryptophan 30 with arginine.
Molecular consequence: missense variant. On other transcripts: 5 prime UTR variant (1).
Genome position (GRCh38, 1-based): chr19:13,025,081, T>C. VCF-style: chr19-13025081-T-C. GRCh37 (hg19) VCF-style: chr19-13135895-T-C.
Other names: c.112T>C, p.Trp38Arg (NM_001271043.2); c.64T>C, p.Trp22Arg (NM_001271044.3, NM_001378404.1); c.88T>C, p.Trp30Arg (NM_001365982.2, NM_002501.4); c.-54T>C (NM_001365983.2); c.85T>C, p.Trp29Arg (NM_001365984.2, NM_001365985.2); c.136T>C, p.Trp46Arg (NM_001378405.1); short protein forms W22R, W29R, W30R, W38R, W46R.
Identifiers: ClinVar variation 3252787 (VCV003252787.2), dbSNP rs1252623910.
Genomic context (GRCh38, chr19:13,025,081, plus strand): 5'-GATGAGTTCCACCCGTTCATCGAGGCACTGCTGCCTCACGTCCGCGCTTTCTCCTACACC[T>C]GGTTCAACCTGCAGGCGCGGAAGCGCAAGTACTTCAAGAAGCATGAAAAGCGGATGTCGA-3'
Protein context (NP_001352831.1, residues 20-40): LPHVRAFSYT[Trp30Arg]FNLQARKRKY

ClinVar aggregate classification (germline): Likely pathogenic. Review status: criteria provided, multiple submitters, no conflicts (2 of 4 stars). 2 submissions from 2 submitters: Likely pathogenic (2). Last evaluated 2024-02-18.

Conditions:
Malan overgrowth syndrome (MALNS). Also called: MALAN SYNDROME; NFIX-Related Malan Syndrome; Sotos syndrome 2. Identifiers: Orphanet 420179, MedGen C3553660, MONDO:0013885, OMIM 614753.

Submissions (2):

GeneDx
Classification: Likely pathogenic. Last evaluated: 2024-02-18. Review status: criteria provided, single submitter. Criteria: GeneDx Variant Classification Process June 2021. Collection method: clinical testing. Allele origin: germline. Affected: yes.
Comment: In silico analysis supports that this missense variant has a deleterious effect on protein structure/function; Has not been previously published as pathogenic or benign to our knowledge; Not observed at significant frequency in large population cohorts (gnomAD)

Juno Genomics, Hangzhou Juno Genomics, Inc
Classification: Likely pathogenic for Malan overgrowth syndrome. Review status: criteria provided, single submitter. Criteria: ACMG Guidelines, 2015. Collection method: clinical testing. Allele origin: germline. Affected: yes.
Comment: Absent from controls (or at extremely low frequency if recessive) in Genome Aggregation Database, Exome Sequencing Project, 1000 Genomes Project, or Exome Aggregation Consortium.;Multiple lines of computational evidence support a deleterious effect on the gene or gene product (conservation, evolutionary, splicing impact, etc).;Missense variant in a gene that has a low rate of benign missense variation and where missense variants are a common mechanism of disease.;Located in a mutational hot spot and/or critical and well-established functional domain (e.g. active site of an enzyme) without benign variation.